The following is an entry in ClinVar:

NM_000228.3(LAMB3):c.2011del (p.Leu671fs)

Gene: LAMB3 (laminin subunit beta 3; minus strand). Cytogenetic location: 1q32.2.
Variant type: Deletion.
Coding change: c.2011del on transcript NM_000228.3 (MANE Select); coding-DNA position 2011, one base deleted (C; older notation c.2011delC).
Protein change: p.Leu671fs; shifts the reading frame from leucine 671.
Molecular consequence: frameshift variant.
Genome position (GRCh38, 1-based): chr1:209,623,966, G deleted on the plus strand (C on the coding strand, the reverse complement: LAMB3 is on the minus strand); the first of 4 consecutive G bases (chr1:209,623,966-209,623,969); deleting any one gives the same sequence. VCF-style (leftmost placement, unchanged base first): chr1-209623965-AG-A. GRCh37 (hg19) VCF-style: chr1-209797310-AG-A.
Other names: c.2011del, p.Leu671fs (NM_001017402.2, NM_001127641.1); c.2011del (NM_000228.2); short protein forms L671fs.
Identifiers: ClinVar variation 370862 (VCV000370862.11), dbSNP rs1057516822, ClinGen allele CA16040693.

ClinVar aggregate classification (germline): Pathogenic/Likely pathogenic. Review status: criteria provided, multiple submitters, no conflicts (2 of 4 stars). 3 submissions from 3 submitters: Pathogenic (1); Likely pathogenic (1). 1 of the submissions does not count toward it. Last evaluated 2025-01-20.

Conditions:
Epidermolysis bullosa simplex 1A, generalized severe (EBS1A). Also called: Epidermolysis bullosa simplex Dowling-Meara type. Identifiers: Orphanet 79396, MedGen C0079295, MONDO:0007550, OMIM 131760.
Junctional epidermolysis bullosa gravis of Herlitz. Also called: JEB-HERLITZ TYPE; EPIDERMOLYSIS BULLOSA, JUNCTIONAL 1B, SEVERE; Epidermolysis Bullosa Letalis; Herlitz-type junctional epidermolysis bullosa; EPIDERMOLYSIS BULLOSA JUNCTIONALIS, HERLITZ TYPE; EPIDERMOLYSIS BULLOSA, JUNCTIONAL, HERLITZ-PEARSON TYPE. Identifiers: Orphanet 79404, MedGen C0079683, MONDO:0009182, OMIM 226700.

Submissions (3):

Centro de Genética y Biología Molecular, Universidad de San Martín de Porres
Classification: Pathogenic for Epidermolysis bullosa simplex 1A, generalized severe. Last evaluated: 2025-01-20. Review status: criteria provided, single submitter. Criteria: ACMG Guidelines, 2015. Collection method: research. Allele origin: unknown. Inheritance: Autosomal dominant inheritance. Affected: yes. Observed: 1 heterozygote.
Comment: Change is product of a deletion of a single nucleotide on exon 15/23 of the LAMB3 gene. Disease classified as Junctional epidermolysis bullosa (JEB) with ragility of the skin and mucous membranes. Blistering can be severe and generally heal with no significant scarring. This variant appears as Likely pathogenic in ClinVar, with rs1057516822 and clinical diagnosis of Junctional epidermolysis bullosa gravis of Herlitz (VCV000370862.10).

Genome-Nilou Lab
Classification: Likely pathogenic for Junctional epidermolysis bullosa gravis of Herlitz. Last evaluated: 2021-05-18. Review status: criteria provided, single submitter. Criteria: ACMG Guidelines, 2015. Collection method: clinical testing. Allele origin: germline. Affected: no.

Counsyl
Classification: Likely pathogenic for Junctional epidermolysis bullosa gravis of Herlitz. Last evaluated: 2016-05-03. Review status: no assertion criteria provided. Collection method: clinical testing. Allele origin: unknown. Not counted in ClinVar's aggregate classification.

Literature cited by the submitters: DOI 10.1111/jdv.18692 (cited by Centro de Genética y Biología Molecular, Universidad de San Martín de Porres).